The following is an entry in ClinVar:

NM_005554.4(KRT6A):c.1198A>C (p.Lys400Gln)

Gene: KRT6A (keratin 6A; minus strand). Cytogenetic location: 12q13.13.
Variant type: single nucleotide variant.
Coding change: c.1198A>C on transcript NM_005554.4 (MANE Select); coding-DNA position 1198, A replaced by C.
Protein change: p.Lys400Gln; replaces lysine 400 with glutamine.
Molecular consequence: missense variant.
Genome position (GRCh38, 1-based): chr12:52,489,948, T>G on the plus strand (A>C on the coding strand, the complement: KRT6A is on the minus strand). VCF-style: chr12-52489948-T-G. GRCh37 (hg19) VCF-style: chr12-52883732-T-G.
Other names: short protein forms K400Q.
Identifiers: ClinVar variation 2457467 (VCV002457467.4), dbSNP rs199654876, ClinGen allele CA6581948.
Genomic context (GRCh38, chr12:52,489,948, plus strand): 5'-CTGCCTGACGACCTGACAAGGAAATGCTTCTCTCCTCCATTGTCCCTCACCATACCTGCT[T>G]CTTGACGTGGTCGATCTCAGATCTCAGCCTCTGGATCATGCGGTTGATCTCAGCAATCTC-3'
Protein context (NP_005545.1, residues 390-410): RLRSEIDHVK[Lys400Gln]QCANLQAAIA

ClinVar aggregate classification (germline): Uncertain significance. Review status: criteria provided, multiple submitters, no conflicts (2 of 4 stars). 2 submissions from 2 submitters: Uncertain significance (2). Last evaluated 2024-07-11.

Conditions:
Inborn genetic diseases. Identifiers: MedGen C0950123, MeSH D030342.

Allele frequency attached by ClinVar (database versions not stated): gnomAD 0.00007; TOPMed 0.00008; ExAC 0.00010; ESP Exome Variant Server 0.00015.
gnomAD v4.1: 249 of 1,613,950 alleles (0.015%); highest among the groups gnomAD compares: Non-Finnish European, 0.021%; no homozygotes.

Submissions (2):

Labcorp Genetics (formerly Invitae), Labcorp
Classification: Uncertain significance. Last evaluated: 2024-07-11. Review status: criteria provided, single submitter. Criteria: Invitae Variant Classification Sherloc (09022015). Collection method: clinical testing. Allele origin: germline.
Comment: This sequence change replaces lysine, which is basic and polar, with glutamine, which is neutral and polar, at codon 400 of the KRT6A protein (p.Lys400Gln). This variant is present in population databases (rs199654876, gnomAD 0.02%). This variant has not been reported in the literature in individuals affected with KRT6A-related conditions. ClinVar contains an entry for this variant (Variation ID: 2457467). Advanced modeling of protein sequence and biophysical properties (such as structural, functional, and spatial information, amino acid conservation, physicochemical variation, residue mobility, and thermodynamic stability) performed at Invitae indicates that this missense variant is not expected to disrupt KRT6A protein function with a negative predictive value of 80%. In summary, the available evidence is currently insufficient to determine the role of this variant in disease. Therefore, it has been classified as a Variant of Uncertain Significance.

Ambry Genetics
Classification: Uncertain significance for Inborn genetic diseases. Last evaluated: 2023-03-14. Review status: criteria provided, single submitter. Criteria: Ambry Variant Classification Scheme 2023. Collection method: clinical testing. Allele origin: germline.